The following is an entry in ClinVar:

ClinVar aggregate classification (germline): Pathogenic/Likely pathogenic. Review status: criteria provided, multiple submitters, no conflicts (2 of 4 stars). 3 submissions from 3 submitters: Pathogenic (1); Likely pathogenic (2). Last evaluated 2026-01-07.

Conditions:
ELANE-related disorder. Also called: ELANE-related condition.
Cyclical neutropenia. Also called: Cyclic Neutropenia; Cyclic hematopoiesis. Identifiers: Orphanet 2686, MedGen C0221023, MONDO:0008090, OMIM 162800, HP:0040289. Disease mechanism: loss of function.
Neutropenia, severe congenital, 1, autosomal dominant. Identifiers: MedGen C1859966, MONDO:0042490, OMIM 202700.

Submissions (3):

Labcorp Genetics (formerly Invitae), Labcorp
Classification: Pathogenic for Neutropenia, severe congenital, 1, autosomal dominant; Cyclical neutropenia. Last evaluated: 2026-01-07. Review status: criteria provided, single submitter. Criteria: Invitae Variant Classification Sherloc (09022015). Collection method: clinical testing. Allele origin: germline.
Comment: This sequence change replaces leucine, which is neutral and non-polar, with proline, which is neutral and non-polar, at codon 84 of the ELANE protein (p.Leu84Pro). This variant is not present in population databases (gnomAD no frequency). This missense change has been observed in individual(s) with congenital neutropenia (PMID: 14962902, 23463630; internal data). In at least one individual the variant was observed to be de novo. This variant is also known as g.2199T>C and Leu55Pro. ClinVar contains an entry for this variant (Variation ID: 418179). Invitae Evidence Modeling of protein sequence and biophysical properties (such as structural, functional, and spatial information, amino acid conservation, physicochemical variation, residue mobility, and thermodynamic stability) indicates that this missense variant is expected to disrupt ELANE protein function with a positive predictive value of 95%. For these reasons, this variant has been classified as Pathogenic.

PreventionGenetics, part of Exact Sciences
Classification: Likely pathogenic for ELANE-related condition. Last evaluated: 2023-08-21. Review status: criteria provided, single submitter. Criteria: ACMG Guidelines, 2015. Collection method: clinical testing. Allele origin: germline.
Comment: The ELANE c.251T>C variant is predicted to result in the amino acid substitution p.Leu84Pro. This variant, which is also described using legacy nomenclature as p.Leu55Pro, has been reported in at least six individuals with neutropenia, although no additional segregation or functional data were provided (Bellanne-Chantelot et al. 2004. PubMed ID: 14962902; Xia et al. 2009. PubMed ID: 19775295. Figure 2; Rotulo et al. 2021. PubMed ID: 34340247. Table SI). A different missense variant in the same codon (c.251T>G,p.Leu84Arg) has been reported in an individual with neutropenia (Human Gene Mutation Database). In ClinVar, this variant has been reported as likely pathogenic or pathogenic. This variant has not been reported in a large population database, indicating this variant is rare. This variant is interpreted as likely pathogenic.

GeneDx
Classification: Likely pathogenic. Last evaluated: 2019-07-11. Review status: criteria provided, single submitter. Criteria: GeneDx Variant Classification Process June 2021. Collection method: clinical testing. Allele origin: germline. Affected: yes.
Comment: Not observed in large population cohorts (Lek et al., 2016); In silico analysis, which includes protein predictors and evolutionary conservation, supports a deleterious effect; This variant is associated with the following publications: (PMID: 19775295, 14962902, 21079042, 23463630)

Literature cited by the submitters: PubMed 14962902 (cited by Labcorp Genetics (formerly Invitae), Labcorp); PubMed 23463630 (cited by Labcorp Genetics (formerly Invitae), Labcorp).

NM_001972.4(ELANE):c.251T>C (p.Leu84Pro)

Gene: ELANE (elastase, neutrophil expressed; plus strand). Cytogenetic location: 19p13.3.
Variant type: single nucleotide variant.
Coding change: c.251T>C on transcript NM_001972.4 (MANE Select); coding-DNA position 251, T replaced by C.
Protein change: p.Leu84Pro; replaces leucine 84 with proline.
Molecular consequence: missense variant.
Genome position (GRCh38, 1-based): chr19:853,288, T>C. VCF-style: chr19-853288-T-C. GRCh37 (hg19) VCF-style: chr19-853288-T-C.
Other names: c.251T>C (LRG_57t1, NM_001972.3); short protein forms L84P.
Identifiers: ClinVar variation 418179 (VCV000418179.17), dbSNP rs1064793108, ClinGen allele CA16620912.
Genomic context (GRCh38, chr19:853,288, plus strand): 5'-CCGCCCCTGAGCCCCGCCTCTCCCTCCCCGGCAGAAACGTCCGCGCGGTGCGGGTGGTCC[T>C]GGGAGCCCATAACCTCTCGCGGCGGGAGCCCACCCGGCAGGTGTTCGCCGTGCAGCGCAT-3'
Protein context (NP_001963.1, residues 74-94): NVNVRAVRVV[Leu84Pro]GAHNLSRREP